The following is an entry in ClinVar:

ClinVar aggregate classification (germline): Uncertain significance (1 of 4 stars; one submission).

gnomAD v4.1: 1 of 1,611,226 alleles (0.000062%); highest among the groups gnomAD compares: Admixed American, 0.0017%; no homozygotes.

Submission:

Labcorp Genetics (formerly Invitae), Labcorp
Classification: Uncertain significance. Last evaluated: 2024-11-18. Review status: criteria provided, single submitter. Criteria: Invitae Variant Classification Sherloc (09022015). Collection method: clinical testing. Allele origin: germline.
Comment: This sequence change falls in intron 19 of the COL11A1 gene. It does not directly change the encoded amino acid sequence of the COL11A1 protein. It affects a nucleotide within the consensus splice site. This variant is present in population databases (no rsID available, gnomAD 0.003%). This variant has not been reported in the literature in individuals affected with COL11A1-related conditions. ClinVar contains an entry for this variant (Variation ID: 2019845). Variants that disrupt the consensus splice site are a relatively common cause of aberrant splicing (PMID: 17576681, 9536098). Algorithms developed to predict the effect of sequence changes on RNA splicing suggest that this variant is not likely to affect RNA splicing. In summary, the available evidence is currently insufficient to determine the role of this variant in disease. Therefore, it has been classified as a Variant of Uncertain Significance.

Literature cited by the submitters: PubMed 17576681; PubMed 9536098.

NM_001854.4(COL11A1):c.1900-3C>T

Gene: COL11A1 (collagen type XI alpha 1 chain; minus strand). Cytogenetic location: 1p21.1.
Variant type: single nucleotide variant.
Coding change: c.1900-3C>T on transcript NM_001854.4 (MANE Select); 3 bases into the intron before coding-DNA position 1900, C replaced by T.
Molecular consequence: intron variant.
Genome position (GRCh38, 1-based): chr1:103,004,491, G>A on the plus strand (C>T on the coding strand, the complement: COL11A1 is on the minus strand). VCF-style: chr1-103004491-G-A. GRCh37 (hg19) VCF-style: chr1-103470047-G-A.
Other names: c.1783-3C>T (NM_001190709.2); c.1936-3C>T (NM_080629.3); c.1552-3C>T (NM_080630.4).
Identifiers: ClinVar variation 2019845 (VCV002019845.4), dbSNP rs1386442730, ClinGen allele CA524902735.